The following is an entry in ClinVar:

NM_018417.6(ADCY10):c.1339A>G (p.Lys447Glu)

Genes: ADCY10 (adenylate cyclase 10; minus strand), DCAF6 (DDB1 and CUL4 associated factor 6; plus strand). Cytogenetic location: 1q24.2.
Variant type: single nucleotide variant.
Coding change: c.1339A>G on transcript NM_018417.6 (MANE Select); coding-DNA position 1339, A replaced by G.
Protein change: p.Lys447Glu; replaces lysine 447 with glutamic acid.
Molecular consequence: missense variant.
Genome position (GRCh38, 1-based): chr1:167,878,513, T>C on the plus strand (A>G on the coding strand, the complement: ADCY10 is on the minus strand). VCF-style: chr1-167878513-T-C. GRCh37 (hg19) VCF-style: chr1-167847751-T-C.
Other names: c.880A>G, p.Lys294Glu (NM_001167749.3); c.1063A>G, p.Lys355Glu (NM_001297772.2); short protein forms K294E, K355E, K447E.
Identifiers: ClinVar variation 4983543 (VCV004983543.1).
Genomic context (GRCh38, chr1:167,878,513, plus strand): 5'-CAGTACGGCCCCAATACTGATACAATGGTCCAGAATCTGCAACACCTTTCATAACTTTCT[T>C]TGGAAGCTCTTTAAAAAAGTACGCTGGTAGGTTGCTCCCATTGTAGGTGACAGAGTCGCA-3'
Protein context (NP_060887.2, residues 437-457): LPAYFFKELP[Lys447Glu]KVMKGVADSG

ClinVar aggregate classification (germline): Uncertain significance (1 of 4 stars; one submission).

Conditions:
ADCY10-related disorder. Also called: ADCY10-related condition.

gnomAD v4.1: 23 of 1,614,168 alleles (0.0014%); highest among the groups gnomAD compares: Admixed American, 0.0033%; no homozygotes.

Submission:

PreventionGenetics, part of Exact Sciences
Classification: Uncertain significance for ADCY10-related condition. Last evaluated: 2026-09-14. Review status: criteria provided, single submitter. Criteria: ACMG Guidelines, 2015. Collection method: clinical testing. Allele origin: germline.
Comment: The ADCY10 c.1339A>G variant is predicted to result in the amino acid substitution p.Lys447Glu. To our knowledge, this variant has not been reported in the literature. This variant is reported in 0.0033% of alleles in individuals of South Asian descent in gnomAD. At this time, the clinical significance of this variant is uncertain due to the absence of conclusive functional and genetic evidence.